The following is an entry in ClinVar:

NM_001395656.1(ROBO2):c.2506A>G (p.Ile836Val)

Gene: ROBO2 (roundabout guidance receptor 2; plus strand). Cytogenetic location: 3p12.3.
Variant type: single nucleotide variant.
Coding change: c.2506A>G on transcript NM_001395656.1 (MANE Select); coding-DNA position 2506, A replaced by G.
Protein change: p.Ile836Val; replaces isoleucine 836 with valine.
Molecular consequence: missense variant.
Genome position (GRCh38, 1-based): chr3:77,580,112, A>G. VCF-style: chr3-77580112-A-G. GRCh37 (hg19) VCF-style: chr3-77629263-A-G.
Other names: c.2542A>G, p.Ile848Val (NM_001128929.3); c.2506A>G, p.Ile836Val (NM_001290039.2, NM_001290040.2, NM_001378202.1); c.715A>G, p.Ile239Val (NM_001290065.2); c.2554A>G, p.Ile852Val (NM_001378190.1, NM_001378191.1, NM_001378195.1 and 4 more transcripts); c.2575A>G, p.Ile859Val (NM_001378192.1, NM_001378194.1, NM_001378198.1 and 2 more transcripts); c.2494A>G, p.Ile832Val (NM_001378193.1, NM_001378197.1, NM_002942.5); c.2563A>G, p.Ile855Val (NM_001394212.1, NM_001394214.1, NM_001395657.1); c.2494A>G (NM_002942.4); short protein forms I832V, I848V, I852V, I836V, I239V, I855V, I859V.
Identifiers: ClinVar variation 2800761 (VCV002800761.4), dbSNP rs2093875653, ClinGen allele CA353523110.

ClinVar aggregate classification (germline): Uncertain significance. Review status: criteria provided, multiple submitters, no conflicts (2 of 4 stars). 2 submissions from 2 submitters: Uncertain significance (2). Last evaluated 2024-05-14.

Conditions:
Inborn genetic diseases. Identifiers: MedGen C0950123, MeSH D030342.

Submissions (2):

Ambry Genetics
Classification: Uncertain significance for Inborn genetic diseases. Last evaluated: 2024-05-14. Review status: criteria provided, single submitter. Criteria: Ambry Variant Classification Scheme 2023. Collection method: clinical testing. Allele origin: germline.

Labcorp Genetics (formerly Invitae), Labcorp
Classification: Uncertain significance. Last evaluated: 2023-03-29. Review status: criteria provided, single submitter. Criteria: Invitae Variant Classification Sherloc (09022015). Collection method: clinical testing. Allele origin: germline.
Comment: Advanced modeling of protein sequence and biophysical properties (such as structural, functional, and spatial information, amino acid conservation, physicochemical variation, residue mobility, and thermodynamic stability) performed at Invitae indicates that this missense variant is not expected to disrupt ROBO2 protein function. This variant has not been reported in the literature in individuals affected with ROBO2-related conditions. This variant is not present in population databases (gnomAD no frequency). This sequence change replaces isoleucine, which is neutral and non-polar, with valine, which is neutral and non-polar, at codon 832 of the ROBO2 protein (p.Ile832Val). In summary, the available evidence is currently insufficient to determine the role of this variant in disease. Therefore, it has been classified as a Variant of Uncertain Significance.